The following is an entry in ClinVar:

ClinVar aggregate classification (germline): Uncertain significance (1 of 4 stars; one submission).

Allele frequency attached by ClinVar (database versions not stated): ExAC 0.00001; gnomAD 0.00001; gnomAD exomes 0.00001.
gnomAD v4.1: 11 of 1,608,916 alleles (0.00068%); highest among the groups gnomAD compares: South Asian, 0.0033%; no homozygotes.

Submission:

Labcorp Genetics (formerly Invitae), Labcorp
Classification: Uncertain significance. Last evaluated: 2022-10-20. Review status: criteria provided, single submitter. Criteria: Invitae Variant Classification Sherloc (09022015). Collection method: clinical testing. Allele origin: germline.
Comment: This sequence change replaces isoleucine, which is neutral and non-polar, with valine, which is neutral and non-polar, at codon 150 of the TMTC3 protein (p.Ile150Val). This variant is present in population databases (rs768198355, gnomAD 0.003%). This variant has not been reported in the literature in individuals affected with TMTC3-related conditions. Algorithms developed to predict the effect of missense changes on protein structure and function output the following: SIFT: "Tolerated"; PolyPhen-2: "Benign"; Align-GVGD: "Class C0". The valine amino acid residue is found in multiple mammalian species, which suggests that this missense change does not adversely affect protein function. In summary, the available evidence is currently insufficient to determine the role of this variant in disease. Therefore, it has been classified as a Variant of Uncertain Significance.

NM_181783.4(TMTC3):c.448A>G (p.Ile150Val)

Gene: TMTC3 (transmembrane O-mannosyltransferase targeting cadherins 3; plus strand). Cytogenetic location: 12q21.32.
Variant type: single nucleotide variant.
Coding change: c.448A>G on transcript NM_181783.4 (MANE Select); coding-DNA position 448, A replaced by G.
Protein change: p.Ile150Val; replaces isoleucine 150 with valine.
Molecular consequence: missense variant. On other transcripts: 5 prime UTR variant (1), non-coding transcript variant (1).
Genome position (GRCh38, 1-based): chr12:88,154,327, A>G. VCF-style: chr12-88154327-A-G. GRCh37 (hg19) VCF-style: chr12-88548104-A-G.
Other names: c.268A>G, p.Ile90Val (NM_001366574.1); c.229A>G, p.Ile77Val (NM_001366579.1); c.181A>G, p.Ile61Val (NM_001366580.1); c.-246A>G (NM_001366583.1); short protein forms I150V, I77V, I90V, I61V.
Identifiers: ClinVar variation 1925923 (VCV001925923.2), dbSNP rs768198355, ClinGen allele CA6713049.